The following is an entry in ClinVar:

ClinVar aggregate classification (germline): Uncertain significance. Review status: criteria provided, single submitter (1 of 4 stars). 2 submissions from 2 submitters: Uncertain significance (1). 1 of the submissions does not count toward it. Last evaluated 2023-01-17.

Conditions:
SPTAN1-related disorder. Also called: SPTAN1-related disorders; SPTAN1-related condition.
Early-infantile DEE. Also called: Early infantile epileptic encephalopathy; Early infantile epileptic encephalopathy with suppression bursts; Ohtahara syndrome. Identifiers: Orphanet 1934, MedGen C0393706, MONDO:0800491.

Submissions (2):

Labcorp Genetics (formerly Invitae), Labcorp
Classification: Uncertain significance for Early-infantile DEE. Last evaluated: 2023-01-17. Review status: criteria provided, single submitter. Criteria: Invitae Variant Classification Sherloc (09022015). Collection method: clinical testing. Allele origin: germline.
Comment: In summary, the available evidence is currently insufficient to determine the role of this variant in disease. Therefore, it has been classified as a Variant of Uncertain Significance. Algorithms developed to predict the effect of missense changes on protein structure and function (SIFT, PolyPhen-2, Align-GVGD) all suggest that this variant is likely to be disruptive. This variant has not been reported in the literature in individuals affected with SPTAN1-related conditions. This variant is not present in population databases (gnomAD no frequency). This sequence change replaces valine, which is neutral and non-polar, with isoleucine, which is neutral and non-polar, at codon 1828 of the SPTAN1 protein (p.Val1828Ile).

PreventionGenetics, part of Exact Sciences
Classification: Uncertain significance for SPTAN1-related condition. Last evaluated: 2024-06-15. Review status: no assertion criteria provided. Collection method: clinical testing. Allele origin: germline. Not counted in ClinVar's aggregate classification.
Comment: The SPTAN1 c.5482G>A variant is predicted to result in the amino acid substitution p.Val1828Ile. To our knowledge, this variant has not been reported in the literature or in gnomAD, indicating this variant is rare. At this time, the clinical significance of this variant is uncertain due to the absence of conclusive functional and genetic evidence.

NM_001130438.3(SPTAN1):c.5482G>A (p.Val1828Ile)

Gene: SPTAN1 (spectrin alpha, non-erythrocytic 1; plus strand). Cytogenetic location: 9q34.11.
Variant type: single nucleotide variant.
Coding change: c.5482G>A on transcript NM_001130438.3 (MANE Select); coding-DNA position 5482, G replaced by A.
Protein change: p.Val1828Ile; replaces valine 1828 with isoleucine.
Molecular consequence: missense variant.
Genome position (GRCh38, 1-based): chr9:128,617,990, G>A. VCF-style: chr9-128617990-G-A. GRCh37 (hg19) VCF-style: chr9-131380269-G-A.
Other names: c.5482G>A (NM_001130438.2); c.5407G>A, p.Val1803Ile (NM_001195532.2); c.5482G>A, p.Val1828Ile (NM_001363759.2, NM_001375310.1, NM_001375311.2 and 1 more transcripts); c.5422G>A, p.Val1808Ile (NM_001363765.2, NM_001375314.2); c.5518G>A, p.Val1840Ile (NM_001375312.2, NM_001375318.1); c.5467G>A, p.Val1823Ile (NM_003127.4); short protein forms V1808I, V1823I, V1828I, V1803I, V1840I.
Identifiers: ClinVar variation 2829630 (VCV002829630.4), dbSNP rs2541950260, ClinGen allele CA375076766.